The following is an entry in ClinVar:

NM_001036.6(RYR3):c.8998A>G (p.Ile3000Val)

Gene: RYR3 (ryanodine receptor 3; plus strand). Cytogenetic location: 15q14.
Variant type: single nucleotide variant.
Coding change: c.8998A>G on transcript NM_001036.6 (MANE Select); coding-DNA position 8998, A replaced by G.
Protein change: p.Ile3000Val; replaces isoleucine 3000 with valine.
Molecular consequence: missense variant.
Genome position (GRCh38, 1-based): chr15:33,772,101, A>G. VCF-style: chr15-33772101-A-G. GRCh37 (hg19) VCF-style: chr15-34064302-A-G.
Other names: c.8998A>G, p.Ile3000Val (NM_001243996.4); short protein forms I3000V.
Identifiers: ClinVar variation 531126 (VCV000531126.13), dbSNP rs10851894, ClinGen allele CA7460381.
Genomic context (GRCh38, chr15:33,772,101, plus strand): 5'-CGAACGCAGATTAAAGGCGTTTCTCAGAATATTAACTACACTACAGTGGCTCTGCTCCCC[A>G]TCCTGACGTCCATCTTTGAGCACGTCACTCAGCATCAGTTTGGAATGGATCTACTCTGTG-3'
Protein context (NP_001027.3, residues 2990-3010): INYTTVALLP[Ile3000Val]LTSIFEHVTQ

ClinVar aggregate classification (germline): Benign. Review status: criteria provided, multiple submitters, no conflicts (2 of 4 stars). 4 submissions from 4 submitters: Benign (4). Last evaluated 2026-01-23.

Conditions:
Epileptic encephalopathy. Identifiers: MedGen C0543888, HP:0200134.
RYR3-related disorder. Also called: RYR3-related condition.

Allele frequency attached by ClinVar (database versions not stated): gnomAD exomes 0.00278 and 0.00618; ExAC 0.00755; ESP Exome Variant Server 0.02088; 1000 Genomes Project 0.02236; gnomAD 0.02328 and 0.02469; 1000 Genomes Project 30x 0.02467; TOPMed 0.02676.
gnomAD v4.1: 7,785 of 1,613,714 alleles (0.48%); highest among the groups gnomAD compares: African/African-American, 7.9%; 259 homozygotes.

Submissions (4):

Labcorp Genetics (formerly Invitae), Labcorp
Classification: Benign for Epileptic encephalopathy. Last evaluated: 2026-01-23. Review status: criteria provided, single submitter. Criteria: Invitae Variant Classification Sherloc (09022015). Collection method: clinical testing. Allele origin: germline.

PreventionGenetics, part of Exact Sciences
Classification: Benign for RYR3-related condition. Last evaluated: 2025-12-05. Review status: criteria provided, single submitter. Criteria: ACMG Guidelines, 2015. Collection method: clinical testing. Allele origin: germline.
Comment: This variant is classified as benign based on ACMG/AMP sequence variant interpretation guidelines (Richards et al. 2015 PMID: 25741868, with internal and published modifications).

GeneDx
Classification: Benign. Last evaluated: 2019-01-28. Review status: criteria provided, single submitter. Criteria: GeneDx Variant Classification Process June 2021. Collection method: clinical testing. Allele origin: germline. Affected: yes.

Breakthrough Genomics
Classification: Benign. Review status: criteria provided, single submitter. Criteria: ACMG Guidelines, 2015. Collection method: not provided. Allele origin: germline. Inheritance: Unknown mechanism. Affected: yes.